The following is an entry in ClinVar:

ClinVar aggregate classification (germline): Uncertain significance (1 of 4 stars; one submission).

Conditions:
Ehlers-Danlos syndrome, spondylodysplastic type, 2 (EDSSPD2). Also called: Ehlers-Danlos syndrome, progeroid type, 2. Identifiers: Orphanet 536467, Orphanet 75496, MedGen C3809210, MONDO:0014139, OMIM 615349.
Spondyloepimetaphyseal dysplasia with joint laxity (SEMDJL). Identifiers: MedGen C0432243, MONDO:0019675.

Submission:

Labcorp Genetics (formerly Invitae), Labcorp
Classification: Uncertain significance for Ehlers-Danlos syndrome, spondylodysplastic type, 2; Spondyloepimetaphyseal dysplasia with joint laxity. Last evaluated: 2022-08-15. Review status: criteria provided, single submitter. Criteria: Invitae Variant Classification Sherloc (09022015). Collection method: clinical testing. Allele origin: germline.
Comment: This sequence change replaces alanine, which is neutral and non-polar, with glycine, which is neutral and non-polar, at codon 114 of the B3GALT6 protein (p.Ala114Gly). This variant is present in population databases (rs558454078, gnomAD 0.02%). This variant has not been reported in the literature in individuals affected with B3GALT6-related conditions. ClinVar contains an entry for this variant (Variation ID: 1047491). Algorithms developed to predict the effect of missense changes on protein structure and function (SIFT, PolyPhen-2, Align-GVGD) all suggest that this variant is likely to be tolerated. In summary, the available evidence is currently insufficient to determine the role of this variant in disease. Therefore, it has been classified as a Variant of Uncertain Significance.

NM_080605.4(B3GALT6):c.341C>G (p.Ala114Gly)

Gene: B3GALT6 (beta-1,3-galactosyltransferase 6; plus strand). Cytogenetic location: 1p36.33.
Variant type: single nucleotide variant.
Coding change: c.341C>G on transcript NM_080605.4 (MANE Select); coding-DNA position 341, C replaced by G.
Protein change: p.Ala114Gly; replaces alanine 114 with glycine.
Molecular consequence: missense variant.
Genome position (GRCh38, 1-based): chr1:1,232,619, C>G. VCF-style: chr1-1232619-C-G. GRCh37 (hg19) VCF-style: chr1-1167999-C-G.
Other names: short protein forms A114G.
Identifiers: ClinVar variation 1047491 (VCV001047491.6), dbSNP rs558454078, ClinGen allele CA513318.
Genomic context (GRCh38, chr1:1,232,619, plus strand): 5'-TTGCCGTGGGCACGGCCGGCCTGGGCGCCGAGGAGCGGCGCGCCCTGGAGCGGGAGCAGG[C>G]GCGGCACGGGGACCTGCTGCTGCTGCCCGCGCTGCGCGACGCCTACGAAAACCTCACGGC-3'
Protein context (NP_542172.2, residues 104-124): EERRALEREQ[Ala114Gly]RHGDLLLLPA